The following is an entry in ClinVar:

NM_024675.4(PALB2):c.3442A>C (p.Thr1148Pro)

Gene: PALB2 (partner and localizer of BRCA2; minus strand). Cytogenetic location: 16p12.2.
Variant type: single nucleotide variant.
Coding change: c.3442A>C on transcript NM_024675.4 (MANE Select); coding-DNA position 3442, A replaced by C.
Protein change: p.Thr1148Pro; replaces threonine 1148 with proline.
Molecular consequence: missense variant. On other transcripts: 3 prime UTR variant (5).
Genome position (GRCh38, 1-based): chr16:23,603,578, T>G on the plus strand (A>C on the coding strand, the complement: PALB2 is on the minus strand). VCF-style: chr16-23603578-T-G. GRCh37 (hg19) VCF-style: chr16-23614899-T-G.
Other names: c.3382A>C, p.Thr1128Pro (NM_001407296.1); c.3370A>C, p.Thr1124Pro (NM_001407297.1); c.3280A>C, p.Thr1094Pro (NM_001407298.1); c.3205A>C, p.Thr1069Pro (NM_001407299.1); c.3163A>C, p.Thr1055Pro (NM_001407300.1); c.*77A>C (NM_001407301.1, NM_001407302.1, NM_001407310.1 and 2 more transcripts); c.2557A>C, p.Thr853Pro (NM_001407304.1, NM_001407305.1, NM_001407306.1); c.2395A>C, p.Thr799Pro (NM_001407307.1); and 3 more; short protein forms T1055P, T1069P, T1094P, T1124P, T1128P, T1148P, T326P, T552P.
Identifiers: ClinVar variation 4861504 (VCV004861504.1).
Genomic context (GRCh38, chr16:23,603,578, plus strand): 5'-CTGTACCCGACCATTTCACAAAAGACCAATGTTGGTCAGAGACAGGTGGGAGGAGGGCAG[T>G]ACACTGACCGAGAAGTAAGTCCCAAATGGCAATTGTTCCAGAAGTCAAGATTGCTGCTGC-3'
Protein context (NP_078951.2, residues 1138-1158): AIWDLLLGQC[Thr1148Pro]ALLPPVSDQH

ClinVar aggregate classification (germline): Uncertain significance (1 of 4 stars; one submission).

Conditions:
Hereditary cancer-predisposing syndrome. Also called: Neoplastic Syndromes, Hereditary; Tumor predisposition; Hereditary Cancer Syndrome; Hereditary neoplastic syndrome. Identifiers: Orphanet 140162, MedGen C0027672, MeSH D009386, MONDO:0015356.

Submission:

Ambry Genetics
Classification: Uncertain significance for Hereditary cancer-predisposing syndrome. Last evaluated: 2026-05-15. Review status: criteria provided, single submitter. Criteria: Ambry Variant Classification Scheme 2023. Collection method: clinical testing. Allele origin: germline.
Comment: The p.T1148P variant (also known as c.3442A>C), located in coding exon 13 of the PALB2 gene, results from an A to C substitution at nucleotide position 3442. The threonine at codon 1148 is replaced by proline, an amino acid with highly similar properties. This amino acid position is well conserved in available vertebrate species. In addition, this alteration is predicted to be tolerated by in silico analysis. Based on the available evidence, the clinical significance of this variant remains unclear.